The following is an entry in ClinVar:

NM_032531.4(KIRREL3):c.2073C>T (p.Tyr691=)

Gene: KIRREL3 (kirre like nephrin family adhesion molecule 3; minus strand). Cytogenetic location: 11q24.2.
Variant type: single nucleotide variant.
Coding change: c.2073C>T on transcript NM_032531.4 (MANE Select); coding-DNA position 2073, C replaced by T.
Protein change: p.Tyr691=; no amino-acid change (tyrosine 691 retained).
Molecular consequence: synonymous variant.
Genome position (GRCh38, 1-based): chr11:126,424,844, G>A on the plus strand (C>T on the coding strand, the complement: KIRREL3 is on the minus strand). VCF-style: chr11-126424844-G-A. GRCh37 (hg19) VCF-style: chr11-126294739-G-A.
Other names: c.2037C>T, p.Tyr679= (NM_001301097.2).
Identifiers: ClinVar variation 3038741 (VCV003038741.2), dbSNP rs776552881, ClinGen allele CA6355646.

ClinVar aggregate classification (germline): Likely benign (0 of 4 stars; one submission).

Conditions:
KIRREL3-related disorder. Also called: KIRREL3-related condition.

Allele frequency attached by ClinVar (database versions not stated): gnomAD 0.00003; gnomAD exomes 0.00006; ExAC 0.00014; TOPMed 0.00002.
gnomAD v4.1: 100 of 1,613,896 alleles (0.0062%); highest among the groups gnomAD compares: South Asian, 0.08%; 1 homozygote.

Submission:

PreventionGenetics, part of Exact Sciences
Classification: Likely benign for KIRREL3-related condition. Last evaluated: 2019-05-21. Review status: no assertion criteria provided. Collection method: clinical testing. Allele origin: germline.
Comment: This variant is classified as likely benign based on ACMG/AMP sequence variant interpretation guidelines (Richards et al. 2015 PMID: 25741868, with internal and published modifications).